The following is an entry in ClinVar:

NM_021625.5(TRPV4):c.1797G>A (p.Thr599=)

Gene: TRPV4 (transient receptor potential cation channel subfamily V member 4; minus strand). Cytogenetic location: 12q24.11.
Variant type: single nucleotide variant.
Coding change: c.1797G>A on transcript NM_021625.5 (MANE Select); coding-DNA position 1797, G replaced by A.
Protein change: p.Thr599=; no amino-acid change (threonine 599 retained).
Molecular consequence: synonymous variant.
Genome position (GRCh38, 1-based): chr12:109,792,679, C>T on the plus strand (G>A on the coding strand, the complement: TRPV4 is on the minus strand). VCF-style: chr12-109792679-C-T. GRCh37 (hg19) VCF-style: chr12-110230484-C-T.
Other names: c.1656G>A, p.Thr552= (NM_001177428.2); c.1695G>A, p.Thr565= (NM_001177431.2); c.1476G>A, p.Thr492= (NM_001177433.2); c.1617G>A, p.Thr539= (NM_147204.3).
Identifiers: ClinVar variation 3003505 (VCV003003505.13), dbSNP rs747018354, ClinGen allele CA6780101.

ClinVar aggregate classification (germline): Likely benign. Review status: criteria provided, multiple submitters, no conflicts (2 of 4 stars). 2 submissions from 2 submitters: Likely benign (2). Last evaluated 2025-05-01.

Conditions:
Charcot-Marie-Tooth disease axonal type 2C (HMSN2C). Also called: Charcot-Marie-Tooth Disease Type 2, TRPV4-Related (CMT2C); Charcot-Marie-Tooth Neuropathy Type 2C; CHARCOT-MARIE-TOOTH DISEASE, AXONAL, AUTOSOMAL DOMINANT, TYPE 2C. Identifiers: Orphanet 99937, MedGen C1853710, MONDO:0011633, OMIM 606071.

Allele frequency attached by ClinVar (database versions not stated): ExAC 0.00003; gnomAD 0.00003; gnomAD exomes 0.00003.
gnomAD v4.1: 46 of 1,614,016 alleles (0.0029%); highest among the groups gnomAD compares: South Asian, 0.0088%; no homozygotes.

Submissions (2):

CeGaT Center for Human Genetics Tuebingen
Classification: Likely benign. Last evaluated: 2025-05-01. Review status: criteria provided, single submitter. Criteria: CeGaT Center For Human Genetics Tuebingen Variant Classification Criteria Version 2. Collection method: clinical testing. Allele origin: germline. Affected: yes. Observed: 1 variant allele.
Comment: TRPV4: BP4, BP7

Labcorp Genetics (formerly Invitae), Labcorp
Classification: Likely benign for Charcot-Marie-Tooth disease axonal type 2C. Last evaluated: 2024-09-29. Review status: criteria provided, single submitter. Criteria: Invitae Variant Classification Sherloc (09022015). Collection method: clinical testing. Allele origin: germline.